The following is an entry in ClinVar:

ClinVar aggregate classification (germline): Uncertain significance (1 of 4 stars; one submission).

gnomAD v4.1: 2 of 1,613,562 alleles (0.00012%); highest among the groups gnomAD compares: Middle Eastern, 0.016%; no homozygotes.

Submission:

Labcorp Genetics (formerly Invitae), Labcorp
Classification: Uncertain significance. Last evaluated: 2024-08-22. Review status: criteria provided, single submitter. Criteria: Invitae Variant Classification Sherloc (09022015). Collection method: clinical testing. Allele origin: germline.
Comment: This sequence change replaces serine, which is neutral and polar, with leucine, which is neutral and non-polar, at codon 2642 of the CELSR2 protein (p.Ser2642Leu). This variant is present in population databases (no rsID available, gnomAD 0.03%). This variant has not been reported in the literature in individuals affected with CELSR2-related conditions. An algorithm developed to predict the effect of missense changes on protein structure and function (PolyPhen-2) suggests that this variant is likely to be tolerated. In summary, the available evidence is currently insufficient to determine the role of this variant in disease. Therefore, it has been classified as a Variant of Uncertain Significance.

NM_001408.3(CELSR2):c.7925C>T (p.Ser2642Leu)

Gene: CELSR2 (cadherin EGF LAG seven-pass G-type receptor 2; plus strand). Cytogenetic location: 1p13.3.
Variant type: single nucleotide variant.
Coding change: c.7925C>T on transcript NM_001408.3 (MANE Select); coding-DNA position 7925, C replaced by T.
Protein change: p.Ser2642Leu; replaces serine 2642 with leucine.
Molecular consequence: missense variant.
Genome position (GRCh38, 1-based): chr1:109,271,721, C>T. VCF-style: chr1-109271721-C-T. GRCh37 (hg19) VCF-style: chr1-109814343-C-T.
Other names: short protein forms S2642L.
Identifiers: ClinVar variation 3619085 (VCV003619085.2).